The following is an entry in ClinVar:

ClinVar aggregate classification (germline): Likely benign. Review status: reviewed by expert panel (3 of 4 stars). 12 submissions from 12 submitters: Likely benign (1). 11 of the submissions do not count toward it. Last evaluated 2017-06-29.

Conditions:
BRCA2-related disorder. Also called: BRCA2-related condition; BRCA2-related disorders. Identifiers: MedGen CN239275.
Hereditary cancer-predisposing syndrome. Also called: Hereditary Cancer Syndrome; Tumor predisposition; Hereditary neoplastic syndrome; Neoplastic Syndromes, Hereditary. Identifiers: Orphanet 140162, MedGen C0027672, MeSH D009386, MONDO:0015356.
Hereditary breast ovarian cancer syndrome. Also called: Hereditary breast and/or ovarian cancer syndrome; Breast and ovarian cancer; BRCA1- and BRCA2-Associated Hereditary Breast and Ovarian Cancer; Hereditary breast and ovarian cancer syndrome (HBOC); Hereditary breast and ovarian cancer syndrome; Hereditary breast and ovarian cancer. Identifiers: Orphanet 145, MedGen C0677776, MeSH D061325, MONDO:0003582. Disease mechanism: loss of function.
Breast-ovarian cancer, familial, susceptibility to, 2 (BROVCA2). Also called: BRCA2 Hereditary Breast and Ovarian Cancer. Identifiers: Orphanet 145, MedGen C2675520, MONDO:0012933, OMIM 612555. Disease mechanism: loss of function.

Allele frequency attached by ClinVar (database versions not stated): ExAC 0.00001; gnomAD 0.00001; gnomAD exomes 0.00001; TOPMed 0.00001; 1000 Genomes Project 30x 0.00016; 1000 Genomes Project 0.00020.
gnomAD v4.1: 11 of 1,610,120 alleles (0.00068%); highest among the groups gnomAD compares: Admixed American, 0.0017%; no homozygotes.

Submissions (12):

Evidence-based Network for the Interpretation of Germline Mutant Alleles (ENIGMA)
Classification: Likely benign for Breast-ovarian cancer, familial, susceptibility to, 2. Last evaluated: 2017-06-29. Review status: reviewed by expert panel. Criteria: ENIGMA BRCA1/2 Classification Criteria (2017-06-29). Collection method: curation. Allele origin: germline.
Comment: Synonymous substitution variant, with low bioinformatic likelihood to result in a splicing aberration (Splicing prior probability 0.02).

PreventionGenetics, part of Exact Sciences
Classification: Likely benign for BRCA2-related condition. Last evaluated: 2025-11-18. Review status: criteria provided, single submitter. Criteria: ACMG Guidelines, 2015. Collection method: clinical testing. Allele origin: germline. Not counted in ClinVar's aggregate classification.
Comment: This variant is classified as likely benign based on ACMG/AMP sequence variant interpretation guidelines (Richards et al. 2015 PMID: 25741868, with internal and published modifications).

Labcorp Genetics (formerly Invitae), Labcorp
Classification: Likely benign for Hereditary breast ovarian cancer syndrome. Last evaluated: 2025-10-11. Review status: criteria provided, single submitter. Criteria: Invitae Variant Classification Sherloc (09022015). Collection method: clinical testing. Allele origin: germline. Not counted in ClinVar's aggregate classification.

Molecular Diagnostics Laboratory, Catalan Institute of Oncology
Classification: Likely benign for Hereditary cancer-predisposing syndrome. Last evaluated: 2024-12-03. Review status: criteria provided, single submitter. Criteria: ClinGen BRCA1BRCA2 ACMG Specifications BRCA2 V1.0.0. Collection method: clinical testing. Allele origin: germline. Not counted in ClinVar's aggregate classification.
Comment: BP1_Strong c.438A>G, located in exon 5 of the BRCA2 gene, is predicted to result in no amino acid change, p.(Leu146=).This position is outside a (potentially) clinically important functional domain and, moreover, the SpliceAI algorithm predicts no significant impact on splicing (BP1_Strong). This variant is found in 2/236448 in the gnomAD v2.1.1 database (exome non-cancer data set). To our knowledge, functional studies have not been reported for this variant. This variant has been reported in the ClinVar database (7x likely benign, 1x benign), in LOVD database (1x VUS, 1x likely benign, 1x benign) and classified as likely benign in BRCAExchange ‘Synonymous substitution variant, with low bioinformatic likelihood to result in a splicing aberration (Splicing prior probability 0.02). Based on currently available information, the variant c.438A>G is classified as a likely benign variant according to ClinGen- BRCA1 and BRCA2 Guidelines version 1.0.0.

Blueprint Genetics
Classification: Likely benign. Last evaluated: 2024-11-18. Review status: criteria provided, single submitter. Criteria: ACMG Guidelines, 2015. Collection method: clinical testing. Allele origin: germline. Not counted in ClinVar's aggregate classification.

All of Us Research Program, National Institutes of Health
Classification: Likely benign for Breast-ovarian cancer, familial, susceptibility to, 2. Last evaluated: 2023-08-15. Review status: criteria provided, single submitter. Criteria: ACMG Guidelines, 2015. Collection method: clinical testing. Allele origin: germline. Inheritance: Autosomal dominant inheritance. Observed: 1 variant allele, 1 heterozygote. Not counted in ClinVar's aggregate classification.
Comment: This study involves interpretation of variants in research participants for the purpose of population health screening. Participant phenotype was not available at the time of variant classification. Additional details can be found in publication PMID: 35346344, PMCID: PMC8962531

GeneDx
Classification: Likely benign. Last evaluated: 2021-04-11. Review status: criteria provided, single submitter. Criteria: GeneDx Variant Classification Process June 2021. Collection method: clinical testing. Allele origin: germline. Affected: yes. Not counted in ClinVar's aggregate classification.
Comment: Not observed at a significant frequency in large population cohorts (Lek et al., 2016); This variant is associated with the following publications: (PMID: 27886673)

Women's Health and Genetics/Laboratory Corporation of America, LabCorp
Classification: Likely benign. Last evaluated: 2019-08-21. Review status: criteria provided, single submitter. Criteria: LabCorp Variant Classification Summary - May 2015. Collection method: clinical testing. Allele origin: germline. Not counted in ClinVar's aggregate classification.

Mendelics
Classification: Likely benign for Breast-ovarian cancer, familial, susceptibility to, 2. Last evaluated: 2019-05-28. Review status: criteria provided, single submitter. Criteria: Mendelics Assertion Criteria 2017. Collection method: clinical testing. Allele origin: unknown. Not counted in ClinVar's aggregate classification.

Color Diagnostics, LLC DBA Color Health
Classification: Likely benign for Hereditary cancer-predisposing syndrome. Last evaluated: 2017-10-13. Review status: criteria provided, single submitter. Criteria: ACMG Guidelines, 2015. Collection method: clinical testing. Allele origin: germline. Not counted in ClinVar's aggregate classification.

Ambry Genetics
Classification: Likely benign for Hereditary cancer-predisposing syndrome. Last evaluated: 2015-01-07. Review status: criteria provided, single submitter. Criteria: Ambry Variant Classification Scheme 2023. Collection method: clinical testing. Allele origin: germline. Not counted in ClinVar's aggregate classification.

BRCAlab, Lund University
Classification: Likely benign for Breast-ovarian cancer, familial, susceptibility to, 2. Last evaluated: 2020-03-02. Review status: no assertion criteria provided. Collection method: clinical testing. Allele origin: germline. Affected: yes. Not counted in ClinVar's aggregate classification.

NM_000059.4(BRCA2):c.438A>G (p.Leu146=)

Gene: BRCA2 (BRCA2 DNA repair associated; plus strand). Cytogenetic location: 13q13.1.
Variant type: single nucleotide variant.
Coding change: c.438A>G on transcript NM_000059.4 (MANE Select); coding-DNA position 438, A replaced by G.
Protein change: p.Leu146=; no amino-acid change (leucine 146 retained).
Molecular consequence: synonymous variant.
Genome position (GRCh38, 1-based): chr13:32,326,113, A>G. VCF-style: chr13-32326113-A-G. GRCh37 (hg19) VCF-style: chr13-32900250-A-G.
Identifiers: ClinVar variation 427541 (VCV000427541.30), dbSNP rs200942633, ClinGen allele CA6940368.
Genomic context (GRCh38, chr13:32,326,113, plus strand): 5'-TGCCAGTTTTTTAAAATAACCTAAGGGATTTGCTTTGTTTTATTTTAGTCCTGTTGTTCT[A>G]CAATGTACACATGTAACACCACAAAGAGATAAGTCAGGTATGATTAAAAACAATGCTTTT-3'
Protein context (NP_000050.3, residues 136-156): NSCLSESPVV[Leu146=]QCTHVTPQRD